The following is an entry in ClinVar:

ClinVar aggregate classification (germline): Uncertain significance. Review status: criteria provided, multiple submitters, no conflicts (2 of 4 stars). 2 submissions from 2 submitters: Uncertain significance (2). Last evaluated 2024-06-06.

Conditions:
Inborn genetic diseases. Identifiers: MedGen C0950123, MeSH D030342.

gnomAD v4.1: 2 of 1,614,096 alleles (0.00012%); highest among the groups gnomAD compares: African/African-American, 0.0027%; no homozygotes.

Submissions (2):

Labcorp Genetics (formerly Invitae), Labcorp
Classification: Uncertain significance. Last evaluated: 2024-06-06. Review status: criteria provided, single submitter. Criteria: Invitae Variant Classification Sherloc (09022015). Collection method: clinical testing. Allele origin: germline.
Comment: This sequence change replaces isoleucine, which is neutral and non-polar, with leucine, which is neutral and non-polar, at codon 124 of the APTX protein (p.Ile124Leu). This variant is present in population databases (no rsID available, gnomAD 0.01%). This variant has not been reported in the literature in individuals affected with APTX-related conditions. Advanced modeling of protein sequence and biophysical properties (such as structural, functional, and spatial information, amino acid conservation, physicochemical variation, residue mobility, and thermodynamic stability) performed at Invitae indicates that this missense variant is not expected to disrupt APTX protein function with a negative predictive value of 80%. In summary, the available evidence is currently insufficient to determine the role of this variant in disease. Therefore, it has been classified as a Variant of Uncertain Significance.

Ambry Genetics
Classification: Uncertain significance for Inborn genetic diseases. Last evaluated: 2024-01-03. Review status: criteria provided, single submitter. Criteria: Ambry Variant Classification Scheme 2023. Collection method: clinical testing. Allele origin: germline.

NM_001195248.2(APTX):c.370A>T (p.Ile124Leu)

Gene: APTX (aprataxin; minus strand). Cytogenetic location: 9p21.1.
Variant type: single nucleotide variant.
Coding change: c.370A>T on transcript NM_001195248.2 (MANE Select); coding-DNA position 370, A replaced by T.
Protein change: p.Ile124Leu; replaces isoleucine 124 with leucine.
Molecular consequence: missense variant. On other transcripts: non-coding transcript variant (13), intron variant (1).
Genome position (GRCh38, 1-based): chr9:32,987,657, T>A on the plus strand (A>T on the coding strand, the complement: APTX is on the minus strand). VCF-style: chr9-32987657-T-A. GRCh37 (hg19) VCF-style: chr9-32987655-T-A.
Other names: c.370A>T, p.Ile124Leu (NM_001195249.2, NM_001195251.2, NM_001368995.1 and 6 more transcripts); c.208A>T, p.Ile70Leu (NM_001195250.2, NM_001195254.2, NM_001369000.1 and 1 more transcripts); c.106A>T, p.Ile36Leu (NM_001370670.1, NM_001370673.1, NM_001369002.1 and 5 more transcripts); c.-153A>T (NM_175071.1); c.267+103A>T (NM_001195252.2); short protein forms I124L, I36L, I70L.
Identifiers: ClinVar variation 3128098 (VCV003128098.3), dbSNP rs143309173, ClinGen allele CA373179800.